The following is an entry in ClinVar:

ClinVar aggregate classification (germline): Uncertain significance. Review status: criteria provided, multiple submitters, no conflicts (2 of 4 stars). 2 submissions from 2 submitters: Uncertain significance (2). Last evaluated 2025-02-13.

Conditions:
Inborn genetic diseases. Identifiers: MedGen C0950123, MeSH D030342.

Allele frequency attached by ClinVar (database versions not stated): gnomAD exomes 0.00001; TOPMed 0.00001; ExAC 0.00002.
gnomAD v4.1: 11 of 1,614,088 alleles (0.00068%); highest among the groups gnomAD compares: South Asian, 0.0011%; no homozygotes.

Submissions (2):

Ambry Genetics
Classification: Uncertain significance for Inborn genetic diseases. Last evaluated: 2025-02-13. Review status: criteria provided, single submitter. Criteria: Ambry Variant Classification Scheme 2023. Collection method: clinical testing. Allele origin: germline.

Labcorp Genetics (formerly Invitae), Labcorp
Classification: Uncertain significance. Last evaluated: 2024-08-05. Review status: criteria provided, single submitter. Criteria: Invitae Variant Classification Sherloc (09022015). Collection method: clinical testing. Allele origin: germline.
Comment: This sequence change replaces lysine, which is basic and polar, with asparagine, which is neutral and polar, at codon 219 of the TRPM1 protein (p.Lys219Asn). This variant is present in population databases (rs779861193, gnomAD 0.002%). This variant has not been reported in the literature in individuals affected with TRPM1-related conditions. ClinVar contains an entry for this variant (Variation ID: 2003149). Advanced modeling of protein sequence and biophysical properties (such as structural, functional, and spatial information, amino acid conservation, physicochemical variation, residue mobility, and thermodynamic stability) has been performed at Invitae for this missense variant, however the output from this modeling did not meet the statistical confidence thresholds required to predict the impact of this variant on TRPM1 protein function. In summary, the available evidence is currently insufficient to determine the role of this variant in disease. Therefore, it has been classified as a Variant of Uncertain Significance.

NM_001252024.2(TRPM1):c.723G>C (p.Lys241Asn)

Gene: TRPM1 (transient receptor potential cation channel subfamily M member 1; minus strand). Cytogenetic location: 15q13.3.
Variant type: single nucleotide variant.
Coding change: c.723G>C on transcript NM_001252024.2 (MANE Select); coding-DNA position 723, G replaced by C.
Protein change: p.Lys241Asn; replaces lysine 241 with asparagine.
Molecular consequence: missense variant.
Genome position (GRCh38, 1-based): chr15:31,066,143, C>G on the plus strand (G>C on the coding strand, the complement: TRPM1 is on the minus strand). VCF-style: chr15-31066143-C-G. GRCh37 (hg19) VCF-style: chr15-31358346-C-G.
Other names: c.657G>C (NM_002420.4); c.774G>C, p.Lys258Asn (NM_001252020.2); c.657G>C, p.Lys219Asn (NM_002420.6); short protein forms K258N, K219N, K241N.
Identifiers: ClinVar variation 2003149 (VCV002003149.5), dbSNP rs779861193, ClinGen allele CA7452862.